The following is an entry in ClinVar:

ClinVar aggregate classification (germline): Uncertain significance. Review status: criteria provided, multiple submitters, no conflicts (2 of 4 stars). 4 submissions from 4 submitters: Uncertain significance (4). Last evaluated 2025-11-04.

Conditions:
Age related macular degeneration 9. Identifiers: MedGen C1969651, MONDO:0012659, OMIM 611378.
Atypical hemolytic-uremic syndrome with C3 anomaly. Also called: AHUS, SUSCEPTIBILITY TO, 5. Identifiers: Orphanet 2134, MedGen C2752037, MONDO:0013043, OMIM 612925.
Complement component 3 deficiency. Identifiers: Orphanet 280133, MedGen C3151071, MONDO:0013417, OMIM 613779.
C3 glomerulonephritis. Also called: Nephropathy due to CFHR5 Deficiency; C3 GLOMERULOPATHY 3. Identifiers: Orphanet 329931, MedGen C4055342, MONDO:0013892, OMIM 614809.

Allele frequency attached by ClinVar (database versions not stated): gnomAD 0.00004 and 0.00005; ExAC 0.00005; gnomAD exomes 0.00006; ESP Exome Variant Server 0.00008; TOPMed 0.00010.
gnomAD v4.1: 99 of 1,613,820 alleles (0.0061%); highest among the groups gnomAD compares: African/African-American, 0.016%; no homozygotes.

Submissions (4):

Labcorp Genetics (formerly Invitae), Labcorp
Classification: Uncertain significance. Last evaluated: 2025-11-04. Review status: criteria provided, single submitter. Criteria: Invitae Variant Classification Sherloc (09022015). Collection method: clinical testing. Allele origin: germline.
Comment: This sequence change replaces aspartic acid, which is acidic and polar, with asparagine, which is neutral and polar, at codon 1362 of the C3 protein (p.Asp1362Asn). This variant is present in population databases (rs368788004, gnomAD 0.01%). This variant has not been reported in the literature in individuals affected with C3-related conditions. ClinVar contains an entry for this variant (Variation ID: 1007190). Invitae Evidence Modeling of protein sequence and biophysical properties (such as structural, functional, and spatial information, amino acid conservation, physicochemical variation, residue mobility, and thermodynamic stability) indicates that this missense variant is not expected to disrupt C3 protein function with a negative predictive value of 80%. In summary, the available evidence is currently insufficient to determine the role of this variant in disease. Therefore, it has been classified as a Variant of Uncertain Significance.

Genomenon, Inc
Classification: Uncertain significance for C3 glomerulonephritis. Last evaluated: 2025-09-30. Review status: criteria provided, single submitter. Criteria: Genomenon Sequence Variant Interpretation Standards. Collection method: curation. Allele origin: germline. Affected: yes.
Comment: C3 p.Asp1362Asn (c.4084G>A) is a missense variant that changes the amino acid at residue 1362 from Aspartic acid to Asparagine. This variant has been observed in at least one proband affected with C3 glomerulonephritis (PMID:26895476). It is absent or not present at a significant frequency in gnomAD. In silico models agree that this variant is not damaging. In conclusion, we classify C3 p.Asp1362Asn (c.4084G>A) as a variant of unknown significance.

Women's Health and Genetics/Laboratory Corporation of America, LabCorp
Classification: Uncertain significance. Last evaluated: 2025-05-20. Review status: criteria provided, single submitter. Criteria: LabCorp Variant Classification Summary - May 2015. Collection method: clinical testing. Allele origin: germline.
Comment: Variant summary: C3 c.4084G>A (p.Asp1362Asn) results in a conservative amino acid change in the encoded protein sequence. Algorithms developed to predict the effect of missense changes on protein structure and function all suggest that this variant is likely to be tolerated. The variant allele was found at a frequency of 5.6e-05 in 251496 control chromosomes. This frequency is not significantly higher than estimated for a pathogenic variant in C3 causing C3 Deficiency, allowing no conclusion about variant significance. To our knowledge, c.4084G>A has been not been observed in individual(s) affected with C3 Deficiency and no experimental evidence demonstrating an impact on protein function has been reported. ClinVar contains an entry for this variant (Variation ID: 1007190). Based on the evidence outlined above, the variant was classified as uncertain significance.

Fulgent Genetics
Classification: Uncertain significance for Age related macular degeneration 9; Atypical hemolytic-uremic syndrome with C3 anomaly; Complement component 3 deficiency. Last evaluated: 2024-02-20. Review status: criteria provided, single submitter. Criteria: ACMG Guidelines, 2015. Collection method: clinical testing. Allele origin: germline.

Literature cited by the submitters: PubMed 26895476 (cited by Genomenon, Inc and Women's Health and Genetics/Laboratory Corporation of America, LabCorp); PubMed 27939104 (cited by Women's Health and Genetics/Laboratory Corporation of America, LabCorp).

NM_000064.4(C3):c.4084G>A (p.Asp1362Asn)

Gene: C3 (complement C3; minus strand). Cytogenetic location: 19p13.3.
Variant type: single nucleotide variant.
Coding change: c.4084G>A on transcript NM_000064.4 (MANE Select); coding-DNA position 4084, G replaced by A.
Protein change: p.Asp1362Asn; replaces aspartic acid 1362 with asparagine.
Molecular consequence: missense variant.
Genome position (GRCh38, 1-based): chr19:6,684,596, C>T on the plus strand (G>A on the coding strand, the complement: C3 is on the minus strand). VCF-style: chr19-6684596-C-T. GRCh37 (hg19) VCF-style: chr19-6684607-C-T.
Other names: short protein forms D1362N.
Identifiers: ClinVar variation 1007190 (VCV001007190.14), dbSNP rs368788004, ClinGen allele CA9128532.
Genomic context (GRCh38, chr19:6,684,596, plus strand): 5'-AGATAAGGCCTTGATTCCTTTTACCTGTTTCCGGTGCTGGTTTTATGGTGACCTTGAGGT[C>T]GAATTTATTACAGGTGAGTTGATCTTTGGCCTTAGCATGGTACATTGTCACCACCTGGTA-3'
Protein context (NP_000055.2, residues 1352-1372): AKDQLTCNKF[Asp1362Asn]LKVTIKPAPE